The following is an entry in ClinVar:

ClinVar aggregate classification (germline): Uncertain significance (1 of 4 stars; one submission).

Conditions:
Cowden syndrome (CS). Also called: Cowden's disease; Cowden's syndrome; Cowden disease. Identifiers: Orphanet 201, MedGen C0018553, MONDO:0016063. Disease mechanism: gain of function.

Allele frequency attached by ClinVar (database versions not stated): gnomAD exomes 0.00001 and 0.00002; ExAC 0.00002; TOPMed 0.00002; gnomAD 0.00003.
gnomAD v4.1: 19 of 1,477,150 alleles (0.0013%); highest among the groups gnomAD compares: African/African-American, 0.0028%; no homozygotes.

Submission:

Labcorp Genetics (formerly Invitae), Labcorp
Classification: Uncertain significance for Cowden syndrome. Last evaluated: 2023-07-10. Review status: criteria provided, single submitter. Criteria: Invitae Variant Classification Sherloc (09022015). Collection method: clinical testing. Allele origin: germline.
Comment: ClinVar contains an entry for this variant (Variation ID: 958503). This variant has not been reported in the literature in individuals affected with PIK3CA-related conditions. This variant is present in population databases (rs202013300, gnomAD 0.007%). This sequence change replaces asparagine, which is neutral and polar, with serine, which is neutral and polar, at codon 380 of the PIK3CA protein (p.Asn380Ser). Advanced modeling of protein sequence and biophysical properties (such as structural, functional, and spatial information, amino acid conservation, physicochemical variation, residue mobility, and thermodynamic stability) has been performed at Invitae for this missense variant, however the output from this modeling did not meet the statistical confidence thresholds required to predict the impact of this variant on PIK3CA protein function. In summary, the available evidence is currently insufficient to determine the role of this variant in disease. Therefore, it has been classified as a Variant of Uncertain Significance.

NM_006218.4(PIK3CA):c.1139A>G (p.Asn380Ser)

Gene: PIK3CA (phosphatidylinositol-4,5-bisphosphate 3-kinase catalytic subunit alpha; plus strand). Cytogenetic location: 3q26.32.
Variant type: single nucleotide variant.
Coding change: c.1139A>G on transcript NM_006218.4 (MANE Select); coding-DNA position 1139, A replaced by G.
Protein change: p.Asn380Ser; replaces asparagine 380 with serine.
Molecular consequence: missense variant.
Genome position (GRCh38, 1-based): chr3:179,204,582, A>G. VCF-style: chr3-179204582-A-G. GRCh37 (hg19) VCF-style: chr3-178922370-A-G.
Other names: short protein forms N380S.
Identifiers: ClinVar variation 958503 (VCV000958503.10), dbSNP rs202013300, ClinGen allele CA2710649.
Genomic context (GRCh38, chr3:179,204,582, plus strand): 5'-TCTACCATGGAGGAGAACCCTTATGTGACAATGTGAACACTCAAAGAGTACCTTGTTCCA[A>G]TCCCAGGTAAGGAAGTATATAGATTTATATTTCCAAAGGTTATATTAGTGTTTAGCAGTA-3'
Protein context (NP_006209.2, residues 370-390): NVNTQRVPCS[Asn380Ser]PRWNEWLNYD